The following is an entry in ClinVar:

NM_033118.4(MYLK2):c.1765G>A (p.Gly589Arg)

Gene: MYLK2 (myosin light chain kinase 2; plus strand). Cytogenetic location: 20q11.21.
Variant type: single nucleotide variant.
Coding change: c.1765G>A on transcript NM_033118.4 (MANE Select); coding-DNA position 1765, G replaced by A.
Protein change: p.Gly589Arg; replaces glycine 589 with arginine.
Molecular consequence: missense variant.
Genome position (GRCh38, 1-based): chr20:31,833,771, G>A. VCF-style: chr20-31833771-G-A. GRCh37 (hg19) VCF-style: chr20-30421574-G-A.
Other names: short protein forms G589R.
Identifiers: ClinVar variation 2809236 (VCV002809236.3), dbSNP rs1295031304, ClinGen allele CA408528633.

ClinVar aggregate classification (germline): Uncertain significance (1 of 4 stars; one submission).

Conditions:
Hypertrophic cardiomyopathy 1 (CMH1). Also called: MYH7-Related Familial Hypertrophic Cardiomyopathy; Familial hypertrophic cardiomyopathy 1. Identifiers: MedGen C3495498, MONDO:0008647, OMIM 192600.

Submission:

Labcorp Genetics (formerly Invitae), Labcorp
Classification: Uncertain significance for Hypertrophic cardiomyopathy 1. Last evaluated: 2023-09-29. Review status: criteria provided, single submitter. Criteria: Invitae Variant Classification Sherloc (09022015). Collection method: clinical testing. Allele origin: germline.
Comment: In summary, the available evidence is currently insufficient to determine the role of this variant in disease. Therefore, it has been classified as a Variant of Uncertain Significance. An algorithm developed to predict the effect of missense changes on protein structure and function (PolyPhen-2) suggests that this variant is likely to be disruptive. This variant has not been reported in the literature in individuals affected with MYLK2-related conditions. This variant is not present in population databases (gnomAD no frequency). This sequence change replaces glycine, which is neutral and non-polar, with arginine, which is basic and polar, at codon 589 of the MYLK2 protein (p.Gly589Arg).